The following is an entry in ClinVar:

NM_000038.6(APC):c.975T>C (p.His325=)

Gene: APC (APC regulator of Wnt signaling pathway; plus strand). Cytogenetic location: 5q22.2.
Variant type: single nucleotide variant.
Coding change: c.975T>C on transcript NM_000038.6 (MANE Select); coding-DNA position 975, T replaced by C.
Protein change: p.His325=; no amino-acid change (histidine 325 retained).
Molecular consequence: synonymous variant. On other transcripts: non-coding transcript variant (2), intron variant (15).
Genome position (GRCh38, 1-based): chr5:112,819,007, T>C. VCF-style: chr5-112819007-T-C. GRCh37 (hg19) VCF-style: chr5-112154704-T-C.
Other names: c.975T>C, p.His325= (NM_001127510.3, NM_001354895.2, NM_001354896.2 and 4 more transcripts); c.921T>C, p.His307= (NM_001127511.3); c.1005T>C, p.His335= (NM_001354897.2, NM_001407446.1); c.900T>C, p.His300= (NM_001354898.2, NM_001407451.1); c.891T>C, p.His297= (NM_001354899.2, NM_001407452.1); c.798T>C, p.His266= (NM_001354900.2, NM_001354901.2, NM_001407453.1); c.126T>C, p.His42= (NM_001354906.2, NM_001407470.1); c.85-262T>C (NM_001407472.1, NM_001407471.1); and 5 more.
Identifiers: ClinVar variation 1768113 (VCV001768113.5), dbSNP rs1196721514, ClinGen allele CA445755767.

ClinVar aggregate classification (germline): Benign/Likely benign. Review status: criteria provided, multiple submitters, no conflicts (2 of 4 stars). 3 submissions from 3 submitters: Benign (1); Likely benign (2). Last evaluated 2024-11-11.

Conditions:
Hereditary cancer-predisposing syndrome. Also called: Hereditary Cancer Syndrome; Hereditary neoplastic syndrome; Neoplastic Syndromes, Hereditary; Tumor predisposition. Identifiers: Orphanet 140162, MedGen C0027672, MeSH D009386, MONDO:0015356.
Familial adenomatous polyposis 1 (FAP1). Also called: FAMILIAL ADENOMATOUS POLYPOSIS 1, ATTENUATED; POLYPOSIS, ADENOMATOUS INTESTINAL. Identifiers: MedGen C2713442, MONDO:0021056, OMIM 175100. Disease mechanism: loss of function.

Allele frequency attached by ClinVar (database versions not stated): gnomAD exomes below 0.00001.
gnomAD v4.1: 3 of 1,614,148 alleles (0.00019%); highest among the groups gnomAD compares: South Asian, 0.0011%; no homozygotes.

Submissions (3):

Labcorp Genetics (formerly Invitae), Labcorp
Classification: Likely benign for Familial adenomatous polyposis 1. Last evaluated: 2024-11-11. Review status: criteria provided, single submitter. Criteria: Invitae Variant Classification Sherloc (09022015). Collection method: clinical testing. Allele origin: germline.

Myriad Genetics, Inc.
Classification: Benign for Familial adenomatous polyposis 1. Last evaluated: 2024-02-29. Review status: criteria provided, single submitter. Criteria: Myriad Autosomal Dominant, Autosomal Recessive and X-Linked Classification Criteria (2023). Collection method: clinical testing. Allele origin: unknown.
Comment: This variant is considered benign. This variant is a silent/synonymous amino acid change and it is not expected to impact splicing.

Ambry Genetics
Classification: Likely benign for Hereditary cancer-predisposing syndrome. Last evaluated: 2020-03-19. Review status: criteria provided, single submitter. Criteria: Ambry Variant Classification Scheme 2023. Collection method: clinical testing. Allele origin: germline.